The following is an entry in ClinVar:

ClinVar aggregate classification (germline): Likely benign (1 of 4 stars; one submission).

gnomAD v4.1: 107 of 679,806 alleles (0.016%); highest among the groups gnomAD compares: East Asian, 0.089%; no homozygotes.

Submission:

CeGaT Center for Human Genetics Tuebingen
Classification: Likely benign. Last evaluated: 2024-06-01. Review status: criteria provided, single submitter. Criteria: CeGaT Center For Human Genetics Tuebingen Variant Classification Criteria Version 2. Collection method: clinical testing. Allele origin: germline. Affected: yes. Observed: 1 variant allele.
Comment: EED: BP4

NM_003797.5(EED):c.-124G>C

Gene: EED (embryonic ectoderm development; plus strand). Cytogenetic location: 11q14.2.
Variant type: single nucleotide variant.
Coding change: c.-124G>C on transcript NM_003797.5 (MANE Select); 124 bases upstream of the start codon, G replaced by C.
Molecular consequence: 5 prime UTR variant.
Genome position (GRCh38, 1-based): chr11:86,245,106, G>C. VCF-style: chr11-86245106-G-C. GRCh37 (hg19) VCF-style: chr11-85956148-G-C.
Other names: c.-124G>C (NM_001308007.2, NM_001330334.2).
Identifiers: ClinVar variation 3250894 (VCV003250894.18), dbSNP rs2291812.